The following is an entry in ClinVar:

ClinVar aggregate classification (germline): Uncertain significance (1 of 4 stars; one submission).

Submission:

GeneDx
Classification: Uncertain significance. Last evaluated: 2024-08-25. Review status: criteria provided, single submitter. Criteria: GeneDx Variant Classification Process June 2021. Collection method: clinical testing. Allele origin: germline. Affected: yes.
Comment: Not observed at significant frequency in large population cohorts (gnomAD); Canonical splice site variant in a gene or region of a gene for which loss of function is not a well-established mechanism of disease; Has not been previously published as pathogenic or benign to our knowledge

NM_015178.3(RHOBTB2):c.1861-2A>G

Gene: RHOBTB2 (Rho related BTB domain containing 2; plus strand). Cytogenetic location: 8p21.3.
Variant type: single nucleotide variant.
Coding change: c.1861-2A>G on transcript NM_015178.3 (MANE Select); the canonical splice acceptor site of the intron before coding-DNA position 1861, A replaced by G.
Molecular consequence: splice acceptor variant.
Genome position (GRCh38, 1-based): chr8:23,015,636, A>G. VCF-style: chr8-23015636-A-G. GRCh37 (hg19) VCF-style: chr8-22873149-A-G.
Other names: c.1927-2A>G (NM_001160036.2); c.1882-2A>G (NM_001160037.2); c.1861-2A>G (NM_001374791.1).
Identifiers: ClinVar variation 3766277 (VCV003766277.1).